The following is an entry in ClinVar:

ClinVar aggregate classification (germline): Uncertain significance (1 of 4 stars; one submission).

Conditions:
Tumor predisposition syndrome 3 (TPDS3). Also called: Glioma susceptibility 9; LONG TELOMERE SYNDROME, POT1-RELATED; POT1 Tumor Predisposition; Melanoma, cutaneous malignant, susceptibility to, 10. Identifiers: Orphanet 618, MedGen C4014476, MONDO:0014368, OMIM 615848.

Submission:

Labcorp Genetics (formerly Invitae), Labcorp
Classification: Uncertain significance for Tumor predisposition syndrome 3. Last evaluated: 2024-08-31. Review status: criteria provided, single submitter. Criteria: Invitae Variant Classification Sherloc (09022015). Collection method: clinical testing. Allele origin: germline.
Comment: This sequence change falls in intron 10 of the POT1 gene. It does not directly change the encoded amino acid sequence of the POT1 protein. It affects a nucleotide within the consensus splice site. The frequency data for this variant in the population databases is considered unreliable, as metrics indicate poor data quality at this position in the gnomAD database. This variant has not been reported in the literature in individuals affected with POT1-related conditions. Variants that disrupt the consensus splice site are a relatively common cause of aberrant splicing (PMID: 17576681, 9536098). Algorithms developed to predict the effect of sequence changes on RNA splicing suggest that this variant is not likely to affect RNA splicing. In summary, the available evidence is currently insufficient to determine the role of this variant in disease. Therefore, it has been classified as a Variant of Uncertain Significance.

Literature cited by the submitters: PubMed 17576681; PubMed 9536098.

NM_015450.3(POT1):c.869+6C>G

Gene: POT1 (protection of telomeres 1; minus strand). Cytogenetic location: 7q31.33.
Variant type: single nucleotide variant.
Coding change: c.869+6C>G on transcript NM_015450.3 (MANE Select); 6 bases into the intron after coding-DNA position 869, C replaced by G.
Molecular consequence: intron variant.
Genome position (GRCh38, 1-based): chr7:124,852,966, G>C on the plus strand (C>G on the coding strand, the complement: POT1 is on the minus strand). VCF-style: chr7-124852966-G-C. GRCh37 (hg19) VCF-style: chr7-124493020-G-C.
Other names: c.476+6C>G (NM_001042594.2).
Identifiers: ClinVar variation 3711335 (VCV003711335.2).